The following is an entry in ClinVar:

ClinVar aggregate classification (germline): Uncertain significance (1 of 4 stars; one submission).

Conditions:
ALMS1-related disorder. Also called: ALMS1-related condition.

Submission:

PreventionGenetics, part of Exact Sciences
Classification: Uncertain significance for ALMS1-related condition. Last evaluated: 2024-11-08. Review status: criteria provided, single submitter. Criteria: ACMG Guidelines, 2015. Collection method: clinical testing. Allele origin: germline.
Comment: The ALMS1 c.4794T>G variant is predicted to result in the amino acid substitution p.Ile1598Met. To our knowledge, this variant has not been reported in the literature or in a large population database (gnomAD), indicating this variant is rare. At this time, the clinical significance of this variant is uncertain due to the absence of conclusive functional and genetic evidence.

NM_001378454.1(ALMS1):c.4791T>G (p.Val1597=)

Gene: ALMS1 (ALMS1 centrosome and basal body associated protein; plus strand). Cytogenetic location: 2p13.1.
Variant type: single nucleotide variant.
Coding change: c.4791T>G on transcript NM_001378454.1 (MANE Select); coding-DNA position 4791, T replaced by G.
Protein change: p.Val1597=; no amino-acid change (valine 1597 retained).
Molecular consequence: synonymous variant.
Genome position (GRCh38, 1-based): chr2:73,451,318, T>G. VCF-style: chr2-73451318-T-G. GRCh37 (hg19) VCF-style: chr2-73678445-T-G.
Other names: c.4794T>G, p.Val1598= (NM_015120.4).
Identifiers: ClinVar variation 4980100 (VCV004980100.1).